The following is an entry in ClinVar:

NM_000377.3(WAS):c.168G>A (p.Ala56=)

Gene: WAS (WASP actin nucleation promoting factor; plus strand). Cytogenetic location: Xp11.23.
Variant type: single nucleotide variant.
Coding change: c.168G>A on transcript NM_000377.3 (MANE Select); coding-DNA position 168, G replaced by A.
Protein change: p.Ala56=; no amino-acid change (alanine 56 retained).
Molecular consequence: synonymous variant.
Genome position (GRCh38, 1-based): chrX:48,684,318, G>A. VCF-style: chrX-48684318-G-A. GRCh37 (hg19) VCF-style: chrX-48542707-G-A.
Identifiers: ClinVar variation 2933608 (VCV002933608.19), dbSNP rs962432903, ClinGen allele CA329100228.

ClinVar aggregate classification (germline): Likely benign. Review status: criteria provided, multiple submitters, no conflicts (2 of 4 stars). 2 submissions from 2 submitters: Likely benign (2). Last evaluated 2024-08-01.

Conditions:
Thrombocytopenia 1. Also called: X-linked thrombocytopenia with normal platelets; THROMBOCYTOPENIA, X-LINKED, 1; X-Linked Thrombocytopenia (XLT). Identifiers: Orphanet 268322, Orphanet 852, MedGen C1839163, MONDO:0010743, OMIM 313900.
Wiskott-Aldrich syndrome (WAS). Also called: ALDRICH SYNDROME; IMMUNODEFICIENCY 2; WISKOTT-ALDRICH SYNDROME 1; Wiskott-aldrich syndrome, somatic. Identifiers: Orphanet 906, MedGen C0043194, MONDO:0010518, OMIM 301000.
X-linked severe congenital neutropenia (SCNX). Identifiers: Orphanet 86788, MedGen C1845987, MONDO:0010294, OMIM 300299.

Allele frequency attached by ClinVar (database versions not stated): gnomAD exomes below 0.00001; TOPMed below 0.00001.
gnomAD v4.1: 5 of 1,211,540 alleles (0.00041%); highest among the groups gnomAD compares: Non-Finnish European, 0.00056%; no homozygotes.

Submissions (2):

CeGaT Center for Human Genetics Tuebingen
Classification: Likely benign. Last evaluated: 2024-08-01. Review status: criteria provided, single submitter. Criteria: CeGaT Center For Human Genetics Tuebingen Variant Classification Criteria Version 2. Collection method: clinical testing. Allele origin: germline. Affected: yes. Observed: 1 variant allele.
Comment: WAS: BP4, BP7

Labcorp Genetics (formerly Invitae), Labcorp
Classification: Likely benign for Wiskott-Aldrich syndrome; X-linked severe congenital neutropenia; Thrombocytopenia 1. Last evaluated: 2024-07-15. Review status: criteria provided, single submitter. Criteria: Invitae Variant Classification Sherloc (09022015). Collection method: clinical testing. Allele origin: germline.